The following is an entry in ClinVar:

NM_153766.3(KCNJ1):c.16C>T (p.Arg6Trp)

Gene: KCNJ1 (potassium inwardly rectifying channel subfamily J member 1; minus strand). Cytogenetic location: 11q24.3.
Variant type: single nucleotide variant.
Coding change: c.16C>T on transcript NM_153766.3 (MANE Select); coding-DNA position 16, C replaced by T.
Protein change: p.Arg6Trp; replaces arginine 6 with tryptophan.
Molecular consequence: missense variant.
Genome position (GRCh38, 1-based): chr11:128,840,228, G>A on the plus strand (C>T on the coding strand, the complement: KCNJ1 is on the minus strand). VCF-style: chr11-128840228-G-A. GRCh37 (hg19) VCF-style: chr11-128710123-G-A.
Other names: c.73C>T (NM_000220.2); c.73C>T, p.Arg25Trp (NM_000220.6); c.16C>T, p.Arg6Trp (NM_153764.3, NM_153767.4); c.67C>T, p.Arg23Trp (NM_153765.3); short protein forms R23W, R6W, R25W.
Identifiers: ClinVar variation 1908747 (VCV001908747.4), dbSNP rs760558807, ClinGen allele CA6357591.

ClinVar aggregate classification (germline): Uncertain significance. Review status: criteria provided, multiple submitters, no conflicts (2 of 4 stars). 3 submissions from 3 submitters: Uncertain significance (3). Last evaluated 2025-08-13.

Conditions:
Inborn genetic diseases. Identifiers: MedGen C0950123, MeSH D030342.

Allele frequency attached by ClinVar (database versions not stated): gnomAD exomes 0.00002; ExAC 0.00005; gnomAD 0.00006; TOPMed 0.00006.
gnomAD v4.1: 38 of 1,613,960 alleles (0.0024%); highest among the groups gnomAD compares: African/African-American, 0.008%; no homozygotes.

Submissions (3):

Ambry Genetics
Classification: Uncertain significance for Inborn genetic diseases. Last evaluated: 2025-08-13. Review status: criteria provided, single submitter. Criteria: Ambry Variant Classification Scheme 2023. Collection method: clinical testing. Allele origin: germline.

Blueprint Genetics
Classification: Uncertain significance. Last evaluated: 2024-10-04. Review status: criteria provided, single submitter. Criteria: ACMG Guidelines, 2015. Collection method: clinical testing. Allele origin: germline.

Labcorp Genetics (formerly Invitae), Labcorp
Classification: Uncertain significance. Last evaluated: 2022-07-01. Review status: criteria provided, single submitter. Criteria: Invitae Variant Classification Sherloc (09022015). Collection method: clinical testing. Allele origin: germline.
Comment: This sequence change replaces arginine, which is basic and polar, with tryptophan, which is neutral and slightly polar, at codon 25 of the KCNJ1 protein (p.Arg25Trp). This variant is present in population databases (rs760558807, gnomAD 0.01%). This variant has not been reported in the literature in individuals affected with KCNJ1-related conditions. Algorithms developed to predict the effect of missense changes on protein structure and function are either unavailable or do not agree on the potential impact of this missense change (SIFT: "Deleterious"; PolyPhen-2: "Possibly Damaging"; Align-GVGD: "Class C0"). In summary, the available evidence is currently insufficient to determine the role of this variant in disease. Therefore, it has been classified as a Variant of Uncertain Significance.